The following is an entry in ClinVar:

ClinVar aggregate classification (germline): Uncertain significance (1 of 4 stars; one submission).

Conditions:
Schimke immuno-osseous dysplasia (SIOD). Also called: Schimke Immunoosseous Dysplasia. Identifiers: Orphanet 1830, MedGen C0877024, MONDO:0009458, OMIM 242900.

Submission:

Labcorp Genetics (formerly Invitae), Labcorp
Classification: Uncertain significance for Schimke immuno-osseous dysplasia. Last evaluated: 2018-12-25. Review status: criteria provided, single submitter. Criteria: Invitae Variant Classification Sherloc (09022015). Collection method: clinical testing. Allele origin: germline.
Comment: In summary, the available evidence is currently insufficient to determine the role of this variant in disease. Therefore, it has been classified as a Variant of Uncertain Significance. Experimental studies and prediction algorithms are not available for this variant, and the functional significance of the affected amino acid(s) is currently unknown. This variant has not been reported in the literature in individuals with SMARCAL1-related conditions. This variant is an in-frame deletion of the genomic region encompassing exon 4 of the SMARCAL1 gene. It preserves the integrity of the reading frame.

NC_000002.12:g.(?_216416237)_(216416327_?)del

Gene: SMARCAL1 (SNF2 related chromatin remodeling annealing helicase 1; plus strand). Cytogenetic location: 2q35.
Variant type: Deletion.
Identifiers: ClinVar variation 642039 (VCV000642039.3).